The following is an entry in ClinVar:

NM_001042492.3(NF1):c.293C>A (p.Pro98Gln)

Gene: NF1 (neurofibromin 1; plus strand). Cytogenetic location: 17q11.2.
Variant type: single nucleotide variant.
Coding change: c.293C>A on transcript NM_001042492.3 (MANE Select); coding-DNA position 293, C replaced by A.
Protein change: p.Pro98Gln; replaces proline 98 with glutamine.
Molecular consequence: missense variant.
Genome position (GRCh38, 1-based): chr17:31,163,190, C>A. VCF-style: chr17-31163190-C-A. GRCh37 (hg19) VCF-style: chr17-29490208-C-A.
Other names: c.293C>A, p.Pro98Gln (NM_000267.4, NM_001128147.3); short protein forms P98Q.
Identifiers: ClinVar variation 822333 (VCV000822333.6), dbSNP rs780979519, ClinGen allele CA398981632.
Genomic context (GRCh38, chr17:31,163,190, plus strand): 5'-GAAAATGTTTACAGGTAAAATTAAAGTTTAGAATAATGTGATTATTTCTATTTTAGCAAC[C>A]AAAGGACACAATGAGATTAGATGAAACGATGCTGGTCAAACAGTTGCTGCCAGAAATCTG-3'
Protein context (NP_001035957.1, residues 88-108): DTLEKCLAGQ[Pro98Gln]KDTMRLDETM

ClinVar aggregate classification (germline): Uncertain significance. Review status: criteria provided, multiple submitters, no conflicts (2 of 4 stars). 2 submissions from 2 submitters: Uncertain significance (2). Last evaluated 2024-07-12.

Conditions:
Hereditary cancer-predisposing syndrome. Also called: Hereditary Cancer Syndrome; Neoplastic Syndromes, Hereditary; Hereditary neoplastic syndrome; Tumor predisposition. Identifiers: Orphanet 140162, MedGen C0027672, MeSH D009386, MONDO:0015356.
Cardiovascular phenotype. Identifiers: MedGen CN230736.
Neurofibromatosis, type 1 (NF1). Also called: Peripheral type neurofibromatosis; Neurofibromatosis, type I; NEUROFIBROMATOSIS, TYPE I, SOMATIC; VON RECKLINGHAUSEN DISEASE. Identifiers: Orphanet 636, MedGen C0027831, MONDO:0018975, OMIM 162200. Disease mechanism: loss of function.

Submissions (2):

Labcorp Genetics (formerly Invitae), Labcorp
Classification: Uncertain significance for Neurofibromatosis, type 1. Last evaluated: 2024-07-12. Review status: criteria provided, single submitter. Criteria: Invitae Variant Classification Sherloc (09022015). Collection method: clinical testing. Allele origin: germline.
Comment: This sequence change replaces proline, which is neutral and non-polar, with glutamine, which is neutral and polar, at codon 98 of the NF1 protein (p.Pro98Gln). This variant is not present in population databases (gnomAD no frequency). This variant has not been reported in the literature in individuals affected with NF1-related conditions. ClinVar contains an entry for this variant (Variation ID: 822333). Advanced modeling of protein sequence and biophysical properties (such as structural, functional, and spatial information, amino acid conservation, physicochemical variation, residue mobility, and thermodynamic stability) performed at Invitae indicates that this missense variant is expected to disrupt NF1 protein function with a positive predictive value of 95%. In summary, the available evidence is currently insufficient to determine the role of this variant in disease. Therefore, it has been classified as a Variant of Uncertain Significance.

Ambry Genetics
Classification: Uncertain significance for Cardiovascular phenotype; Hereditary cancer-predisposing syndrome. Last evaluated: 2019-05-06. Review status: criteria provided, single submitter. Criteria: Ambry Variant Classification Scheme 2023. Collection method: clinical testing. Allele origin: germline.
Comment: The p.P98Q variant (also known as c.293C>A), located in coding exon 4 of the NF1 gene, results from a C to A substitution at nucleotide position 293. The proline at codon 98 is replaced by glutamine, an amino acid with similar properties. This amino acid position is well conserved in available vertebrate species. In addition, the in silico prediction for this alteration is inconclusive. Since supporting evidence is limited at this time, the clinical significance of this alteration remains unclear.